The following is an entry in ClinVar:

ClinVar aggregate classification (germline): Uncertain significance (1 of 4 stars; one submission).

Allele frequency attached by ClinVar (database versions not stated): gnomAD 0.00001.
gnomAD v4.1: 4 of 1,613,948 alleles (0.00025%); highest among the groups gnomAD compares: Non-Finnish European, 0.00034%; no homozygotes.

Submission:

Labcorp Genetics (formerly Invitae), Labcorp
Classification: Uncertain significance. Last evaluated: 2024-09-25. Review status: criteria provided, single submitter. Criteria: Invitae Variant Classification Sherloc (09022015). Collection method: clinical testing. Allele origin: germline.
Comment: This sequence change replaces aspartic acid, which is acidic and polar, with asparagine, which is neutral and polar, at codon 3244 of the FAT4 protein (p.Asp3244Asn). This variant is present in population databases (no rsID available, gnomAD 0.003%). This variant has not been reported in the literature in individuals affected with FAT4-related conditions. ClinVar contains an entry for this variant (Variation ID: 1969647). Invitae Evidence Modeling of protein sequence and biophysical properties (such as structural, functional, and spatial information, amino acid conservation, physicochemical variation, residue mobility, and thermodynamic stability) indicates that this missense variant is not expected to disrupt FAT4 protein function with a negative predictive value of 80%. In summary, the available evidence is currently insufficient to determine the role of this variant in disease. Therefore, it has been classified as a Variant of Uncertain Significance.

NM_001291303.3(FAT4):c.9736G>A (p.Asp3246Asn)

Gene: FAT4 (FAT atypical cadherin 4; plus strand). Cytogenetic location: 4q28.1.
Variant type: single nucleotide variant.
Coding change: c.9736G>A on transcript NM_001291303.3 (MANE Select); coding-DNA position 9736, G replaced by A.
Protein change: p.Asp3246Asn; replaces aspartic acid 3246 with asparagine.
Molecular consequence: missense variant.
Genome position (GRCh38, 1-based): chr4:125,450,746, G>A. VCF-style: chr4-125450746-G-A. GRCh37 (hg19) VCF-style: chr4-126371901-G-A.
Other names: c.9736G>A, p.Asp3246Asn (NM_001291285.3); c.9730G>A, p.Asp3244Asn (NM_024582.6); short protein forms D3246N, D3244N.
Identifiers: ClinVar variation 1969647 (VCV001969647.4), dbSNP rs1205012707, ClinGen allele CA358154015.